The following is an entry in ClinVar:

ClinVar aggregate classification (germline): Likely benign. Review status: criteria provided, multiple submitters, no conflicts (2 of 4 stars). 3 submissions from 3 submitters: Likely benign (3). Last evaluated 2025-12-11.

Conditions:
Inborn genetic diseases. Identifiers: MedGen C0950123, MeSH D030342.
Mucopolysaccharidosis type 1. Also called: Mucopolysaccharidosis Type I; IDUA deficiency; MPS I. Identifiers: Orphanet 579, MedGen C0023786, MONDO:0001586.

Allele frequency attached by ClinVar (database versions not stated): ExAC 0.00002; TOPMed 0.00007.
gnomAD v4.1: 72 of 1,612,088 alleles (0.0045%); highest among the groups gnomAD compares: African/African-American, 0.012%; no homozygotes.

Submissions (3):

Labcorp Genetics (formerly Invitae), Labcorp
Classification: Likely benign for Mucopolysaccharidosis type 1. Last evaluated: 2025-12-11. Review status: criteria provided, single submitter. Criteria: Invitae Variant Classification Sherloc (09022015). Collection method: clinical testing. Allele origin: germline.

CeGaT Center for Human Genetics Tuebingen
Classification: Likely benign. Last evaluated: 2025-01-01. Review status: criteria provided, single submitter. Criteria: CeGaT Center For Human Genetics Tuebingen Variant Classification Criteria Version 2. Collection method: clinical testing. Allele origin: germline. Affected: yes. Observed: 1 variant allele.
Comment: IDUA: BP4, BP7

Ambry Genetics
Classification: Likely benign for Inborn genetic diseases. Last evaluated: 2023-08-03. Review status: criteria provided, single submitter. Criteria: Ambry Variant Classification Scheme 2023. Collection method: clinical testing. Allele origin: germline.

NM_000203.5(IDUA):c.1782G>A (p.Pro594=)

Gene: IDUA (alpha-L-iduronidase; plus strand). Cytogenetic location: 4p16.3.
Variant type: single nucleotide variant.
Coding change: c.1782G>A on transcript NM_000203.5 (MANE Select); coding-DNA position 1782, G replaced by A.
Protein change: p.Pro594=; no amino-acid change (proline 594 retained).
Molecular consequence: synonymous variant. On other transcripts: non-coding transcript variant (1).
Genome position (GRCh38, 1-based): chr4:1,004,066, G>A. VCF-style: chr4-1004066-G-A. GRCh37 (hg19) VCF-style: chr4-997854-G-A.
Other names: c.1386G>A, p.Pro462= (NM_001363576.1); c.1782G>A (NM_000203.3).
Identifiers: ClinVar variation 1139690 (VCV001139690.24), dbSNP rs781543137, ClinGen allele CA2802408.